The following is an entry in ClinVar:

NM_002439.5(MSH3):c.1625T>C (p.Leu542Ser)

Gene: MSH3 (mutS homolog 3; plus strand). Cytogenetic location: 5q14.1.
Variant type: single nucleotide variant.
Coding change: c.1625T>C on transcript NM_002439.5 (MANE Select); coding-DNA position 1625, T replaced by C.
Protein change: p.Leu542Ser; replaces leucine 542 with serine.
Molecular consequence: missense variant.
Genome position (GRCh38, 1-based): chr5:80,741,520, T>C. VCF-style: chr5-80741520-T-C. GRCh37 (hg19) VCF-style: chr5-80037339-T-C.
Other names: short protein forms L542S.
Identifiers: ClinVar variation 2773108 (VCV002773108.3), dbSNP rs1743613781, ClinGen allele CA360274539.
Genomic context (GRCh38, chr5:80,741,520, plus strand): 5'-ACAGGAATTTTAAACAGCTATCAAGTAAAATGGAATTTATGACAATTAATGGAACAACAT[T>C]AAGGAATCTGGAAATCCTACAGAATCAGGTCAGGCAAATACAAGGGCTAGTTGATTATAA-3'
Protein context (NP_002430.3, residues 532-552): MEFMTINGTT[Leu542Ser]RNLEILQNQT

ClinVar aggregate classification (germline): Uncertain significance (1 of 4 stars; one submission).

Allele frequency attached by ClinVar (database versions not stated): TOPMed below 0.00001; gnomAD 0.00001.
gnomAD v4.1: 1 of 1,609,154 alleles (0.000062%); highest among the groups gnomAD compares: Non-Finnish European, 0.000085%; no homozygotes.

Submission:

Labcorp Genetics (formerly Invitae), Labcorp
Classification: Uncertain significance. Last evaluated: 2023-11-01. Review status: criteria provided, single submitter. Criteria: Invitae Variant Classification Sherloc (09022015). Collection method: clinical testing. Allele origin: germline.
Comment: This sequence change replaces leucine, which is neutral and non-polar, with serine, which is neutral and polar, at codon 542 of the MSH3 protein (p.Leu542Ser). This variant is not present in population databases (gnomAD no frequency). This variant has not been reported in the literature in individuals affected with MSH3-related conditions. An algorithm developed to predict the effect of missense changes on protein structure and function (PolyPhen-2) suggests that this variant is likely to be disruptive. In summary, the available evidence is currently insufficient to determine the role of this variant in disease. Therefore, it has been classified as a Variant of Uncertain Significance.